The following is an entry in ClinVar:

ClinVar aggregate classification (germline): Uncertain significance (0 of 4 stars; one submission).

Conditions:
HOMER2-related disorder. Also called: HOMER2-related condition.

Submission:

PreventionGenetics, part of Exact Sciences
Classification: Uncertain significance for HOMER2-related condition. Last evaluated: 2024-07-06. Review status: no assertion criteria provided. Collection method: clinical testing. Allele origin: germline.
Comment: The HOMER2 c.628G>A variant is predicted to result in the amino acid substitution p.Glu210Lys. To our knowledge, this variant has not been reported in the literature or in a large population database, indicating this variant is rare. At this time, the clinical significance of this variant is uncertain due to the absence of conclusive functional and genetic evidence.

NM_004839.4(HOMER2):c.628G>A (p.Glu210Lys)

Gene: HOMER2 (homer scaffold protein 2; minus strand). Cytogenetic location: 15q25.2.
Variant type: single nucleotide variant.
Coding change: c.628G>A on transcript NM_004839.4 (MANE Select); coding-DNA position 628, G replaced by A.
Protein change: p.Glu210Lys; replaces glutamic acid 210 with lysine.
Molecular consequence: missense variant.
Genome position (GRCh38, 1-based): chr15:82,854,667, C>T on the plus strand (G>A on the coding strand, the complement: HOMER2 is on the minus strand). VCF-style: chr15-82854667-C-T. GRCh37 (hg19) VCF-style: chr15-83523419-C-T.
Other names: c.661G>A, p.Glu221Lys (NM_199330.3); short protein forms E210K, E221K.
Identifiers: ClinVar variation 3345367 (VCV003345367.1).